The following is an entry in ClinVar:

NM_000751.3(CHRND):c.36del (p.Ala13fs)

Gene: CHRND (cholinergic receptor nicotinic delta subunit; plus strand). Cytogenetic location: 2q37.1.
Variant type: Deletion.
Coding change: c.36del on transcript NM_000751.3 (MANE Select); coding-DNA position 36, one base deleted (T; older notation c.36delT).
Protein change: p.Ala13fs; shifts the reading frame from alanine 13.
Molecular consequence: frameshift variant. On other transcripts: 5 prime UTR variant (2).
Genome position (GRCh38, 1-based): chr2:232,526,251, T deleted. VCF-style (leftmost placement, unchanged base first): chr2-232526250-CT-C. GRCh37 (hg19) VCF-style: chr2-233390960-CT-C.
Other names: c.36del, p.Ala13fs (NM_001256657.2); c.-236del (NM_001311195.2, NM_001311196.2); short protein forms A13fs.
Identifiers: ClinVar variation 2843903 (VCV002843903.3), dbSNP rs2469712512, ClinGen allele CA2739279821.
Genomic context (GRCh38, chr2:232,526,250, plus strand): 5'-ATGCACGTCCCAGTCAGAGGGATGGGATGGAGGGGCCAGTGCTGACACTGGGGCTGCTGG[CT>C]GCCCTGGCGGTGTGTGGTAAGGGAAGACACCCTCCCCACCCTGGGGTCCCCCGTGATGCT-3'

ClinVar aggregate classification (germline): Pathogenic (1 of 4 stars; one submission).

Conditions:
Lethal multiple pterygium syndrome (LMPS). Identifiers: Orphanet 33108, MedGen C1854678, MONDO:0009668, OMIM 253290.

Submission:

Labcorp Genetics (formerly Invitae), Labcorp
Classification: Pathogenic for Lethal multiple pterygium syndrome. Last evaluated: 2025-06-02. Review status: criteria provided, single submitter. Criteria: Invitae Variant Classification Sherloc (09022015). Collection method: clinical testing. Allele origin: germline.
Comment: This sequence change creates a premature translational stop signal (p.Ala13Profs*10) in the CHRND gene. It is expected to result in an absent or disrupted protein product. Loss-of-function variants in CHRND are known to be pathogenic (PMID: 11435464, 25264167). This variant is not present in population databases (gnomAD no frequency). This variant has not been reported in the literature in individuals affected with CHRND-related conditions. ClinVar contains an entry for this variant (Variation ID: 2843903). For these reasons, this variant has been classified as Pathogenic.

Literature cited by the submitters: PubMed 11435464; PubMed 25264167.